The following is an entry in ClinVar:

NM_000492.4(CFTR):c.841A>G (p.Met281Val)

Gene: CFTR (CF transmembrane conductance regulator; plus strand). Cytogenetic location: 7q31.2.
Variant type: single nucleotide variant.
Coding change: c.841A>G on transcript NM_000492.4 (MANE Select); coding-DNA position 841, A replaced by G.
Protein change: p.Met281Val; replaces methionine 281 with valine.
Molecular consequence: missense variant.
Genome position (GRCh38, 1-based): chr7:117,536,645, A>G. VCF-style: chr7-117536645-A-G. GRCh37 (hg19) VCF-style: chr7-117176699-A-G.
Other names: short protein forms M281V.
Identifiers: ClinVar variation 1314072 (VCV001314072.5), dbSNP rs755215339, ClinGen allele CA4450841.
Genomic context (GRCh38, chr7:117,536,645, plus strand): 5'-ATTACCTCAGAAATGATTGAAAATATCCAATCTGTTAAGGCATACTGCTGGGAAGAAGCA[A>G]TGGAAAAAATGATTGAAAACTTAAGACAGTAAGTTGTTCCAATAATTTCAATATTGTTAG-3'
Protein context (NP_000483.3, residues 271-291): SVKAYCWEEA[Met281Val]EKMIENLRQT

ClinVar aggregate classification (germline): Uncertain significance. Review status: criteria provided, multiple submitters, no conflicts (2 of 4 stars). 3 submissions from 3 submitters: Uncertain significance (3). Last evaluated 2025-06-11.

Conditions:
Cystic fibrosis (CF). Also called: MUCOVISCIDOSIS. Identifiers: Orphanet 586, MedGen C0010674, MONDO:0009061, OMIM 219700. Disease mechanism: loss of function.

Allele frequency attached by ClinVar (database versions not stated): gnomAD 0.00001; ExAC 0.00001; gnomAD exomes below 0.00001.
gnomAD v4.1: 4 of 1,611,816 alleles (0.00025%); highest among the groups gnomAD compares: Non-Finnish European, 0.00017%; no homozygotes.

Submissions (3):

Labcorp Genetics (formerly Invitae), Labcorp
Classification: Uncertain significance for Cystic fibrosis. Last evaluated: 2025-06-11. Review status: criteria provided, single submitter. Criteria: Invitae Variant Classification Sherloc (09022015). Collection method: clinical testing. Allele origin: germline.
Comment: This sequence change replaces methionine, which is neutral and non-polar, with valine, which is neutral and non-polar, at codon 281 of the CFTR protein (p.Met281Val). This variant is present in population databases (rs755215339, gnomAD 0.01%). This variant has not been reported in the literature in individuals affected with CFTR-related conditions. ClinVar contains an entry for this variant (Variation ID: 1314072). Invitae Evidence Modeling of protein sequence and biophysical properties (such as structural, functional, and spatial information, amino acid conservation, physicochemical variation, residue mobility, and thermodynamic stability) indicates that this missense variant is expected to disrupt CFTR protein function with a positive predictive value of 80%. In summary, the available evidence is currently insufficient to determine the role of this variant in disease. Therefore, it has been classified as a Variant of Uncertain Significance.

ARUP Laboratories, Molecular Genetics and Genomics, ARUP Laboratories
Classification: Uncertain significance. Last evaluated: 2024-04-11. Review status: criteria provided, single submitter. Criteria: ARUP Molecular Germline Variant Investigation Process 2024. Collection method: clinical testing. Allele origin: germline.
Comment: The CFTR c.841A>G; p.Met281Val variant (rs755215339), to our knowledge, is not reported in the medical literature but is reported in ClinVar (Variation ID: 1314072). This variant is found in the general population with an overall allele frequency of 0.0007% (2/280,842 alleles) in the Genome Aggregation Database (v2.1.1). Computational analyses are uncertain whether this variant is neutral or deleterious (REVEL: 0.493). Due to limited information, the clinical significance of this variant is uncertain at this time.

GeneDx
Classification: Uncertain significance. Last evaluated: 2020-02-12. Review status: criteria provided, single submitter. Criteria: GeneDx Variant Classification Process June 2021. Collection method: clinical testing. Allele origin: germline. Affected: yes.
Comment: In silico analysis supports that this missense variant does not alter protein structure/function; Has not been previously published as pathogenic or benign to our knowledge